The following is an entry in ClinVar:

ClinVar aggregate classification (germline): Uncertain significance. Review status: criteria provided, multiple submitters, no conflicts (2 of 4 stars). 2 submissions from 2 submitters: Uncertain significance (2). Last evaluated 2023-11-09.

Conditions:
Hereditary cancer-predisposing syndrome. Also called: Hereditary neoplastic syndrome; Tumor predisposition; Neoplastic Syndromes, Hereditary; Hereditary Cancer Syndrome. Identifiers: Orphanet 140162, MedGen C0027672, MeSH D009386, MONDO:0015356.
BAP1-related tumor predisposition syndrome (TPDS1). Also called: Tumor susceptibility linked to germline BAP1 mutations; TUMOR PREDISPOSITION SYNDROME 1; BAP1 tumor predisposition syndrome; COMMON Syndrome. Identifiers: Orphanet 289539, MedGen C3280492, MONDO:0013692, OMIM 614327.

gnomAD v4.1: 1 of 1,612,130 alleles (0.000062%); highest among the groups gnomAD compares: Non-Finnish European, 0.000085%; no homozygotes.

Submissions (2):

Ambry Genetics
Classification: Uncertain significance for Hereditary cancer-predisposing syndrome. Last evaluated: 2023-11-09. Review status: criteria provided, single submitter. Criteria: Ambry Variant Classification Scheme 2023. Collection method: clinical testing. Allele origin: germline.
Comment: The p.V71L variant (also known as c.211G>T), located in coding exon 4 of the BAP1 gene, results from a G to T substitution at nucleotide position 211. The valine at codon 71 is replaced by leucine, an amino acid with highly similar properties. This amino acid position is conserved. In addition, the in silico prediction for this alteration is inconclusive. Since supporting evidence is limited at this time, the clinical significance of this alteration remains unclear.

Labcorp Genetics (formerly Invitae), Labcorp
Classification: Uncertain significance for BAP1-related tumor predisposition syndrome. Last evaluated: 2022-02-21. Review status: criteria provided, single submitter. Criteria: Invitae Variant Classification Sherloc (09022015). Collection method: clinical testing. Allele origin: germline.
Comment: In summary, the available evidence is currently insufficient to determine the role of this variant in disease. Therefore, it has been classified as a Variant of Uncertain Significance. Algorithms developed to predict the effect of missense changes on protein structure and function are either unavailable or do not agree on the potential impact of this missense change (SIFT: "Tolerated"; PolyPhen-2: "Probably Damaging"; Align-GVGD: "Class C0"). This variant has not been reported in the literature in individuals affected with BAP1-related conditions. This variant is not present in population databases (gnomAD no frequency). This sequence change replaces valine, which is neutral and non-polar, with leucine, which is neutral and non-polar, at codon 71 of the BAP1 protein (p.Val71Leu).

NM_004656.4(BAP1):c.211G>T (p.Val71Leu)

Gene: BAP1 (BRCA1 associated deubiquitinase 1; minus strand). Cytogenetic location: 3p21.1.
Variant type: single nucleotide variant.
Coding change: c.211G>T on transcript NM_004656.4 (MANE Select); coding-DNA position 211, G replaced by T.
Protein change: p.Val71Leu; replaces valine 71 with leucine.
Molecular consequence: missense variant.
Genome position (GRCh38, 1-based): chr3:52,408,518, C>A on the plus strand (G>T on the coding strand, the complement: BAP1 is on the minus strand). VCF-style: chr3-52408518-C-A. GRCh37 (hg19) VCF-style: chr3-52442534-C-A.
Other names: c.211G>T (NM_004656.2); short protein forms V71L.
Identifiers: ClinVar variation 1345523 (VCV001345523.7), dbSNP rs753629908, ClinGen allele CA353113211.
Genomic context (GRCh38, chr3:52,408,518, plus strand): 5'-ACAGAGTCCAGCAGACCTGGTGGGCAAAGAACATGTTATTCACAATATCATCATCAATCA[C>A]GGACGTATCATCCACCAAGGTAGAGACCTTTCGCCGGGACCGGCGCTCTTCGATCCATTT-3'
Protein context (NP_004647.1, residues 61-81): KVSTLVDDTS[Val71Leu]IDDDIVNNMF